The following is an entry in ClinVar:

ClinVar aggregate classification (germline): Pathogenic (1 of 4 stars; one submission).

Conditions:
Fumarase deficiency (FMRD). Also called: Fumarate Hydratase Deficiency; Fumaric aciduria. Identifiers: Orphanet 24, MedGen C0342770, MONDO:0011730, OMIM 606812.

Submission:

Labcorp Genetics (formerly Invitae), Labcorp
Classification: Pathogenic for Fumarase deficiency. Last evaluated: 2017-01-12. Review status: criteria provided, single submitter. Criteria: Invitae Variant Classification Sherloc (09022015). Collection method: clinical testing. Allele origin: germline.
Comment: A gross deletion of the genomic region encompassing the full coding sequence of the FH gene has been identified. The boundaries of this event are unknown as the deletion extends beyond the assayed region for this gene and therefore may encompass additional genes. Loss of function variants in FH are known to be pathogenic. A deletion of the entire gene has been reported in patients with hereditary leiomyomatosis and renal cancer, multiple cutaneous and uterine leiomyomatosis, reduced FH enzyme activity (PMID: 12761039, 21398687, 11865300), and fumarase deficiency (PMID:22069215). For these reasons, this variant has been classified as Pathogenic.

NC_000001.11:g.(?_241497557)_(241519785_?)del

Genes: FH (fumarate hydratase; minus strand), LOC129932888 (ATAC-STARR-seq lymphoblastoid silent region 2007; plus strand). Cytogenetic location: 1q43.
Variant type: Deletion.
Identifiers: ClinVar variation 417361 (VCV000417361.1).